The following is an entry in ClinVar:

ClinVar aggregate classification (germline): Likely benign. Review status: criteria provided, multiple submitters, no conflicts (2 of 4 stars). 4 submissions from 4 submitters: Likely benign (3). 1 of the submissions does not count toward it. Last evaluated 2025-11-17.

Conditions:
Hereditary breast ovarian cancer syndrome. Also called: Hereditary breast and ovarian cancer; Breast and ovarian cancer; BRCA1- and BRCA2-Associated Hereditary Breast and Ovarian Cancer; Hereditary breast and/or ovarian cancer syndrome; Hereditary breast and ovarian cancer syndrome (HBOC); Hereditary breast and ovarian cancer syndrome. Identifiers: Orphanet 145, MedGen C0677776, MeSH D061325, MONDO:0003582. Disease mechanism: loss of function.
Hereditary cancer-predisposing syndrome. Also called: Hereditary neoplastic syndrome; Tumor predisposition; Neoplastic Syndromes, Hereditary; Hereditary Cancer Syndrome. Identifiers: Orphanet 140162, MedGen C0027672, MeSH D009386, MONDO:0015356.
Breast-ovarian cancer, familial, susceptibility to, 2 (BROVCA2). Also called: BRCA2 Hereditary Breast and Ovarian Cancer. Identifiers: Orphanet 145, MedGen C2675520, MONDO:0012933, OMIM 612555. Disease mechanism: loss of function.

Allele frequency attached by ClinVar (database versions not stated): gnomAD exomes below 0.00001.
gnomAD v4.1: 1 of 1,614,214 alleles (0.000062%); highest among the groups gnomAD compares: African/African-American, 0.0013%; no homozygotes.

Submissions (4):

Labcorp Genetics (formerly Invitae), Labcorp
Classification: Likely benign for Hereditary breast ovarian cancer syndrome. Last evaluated: 2025-11-17. Review status: criteria provided, single submitter. Criteria: Invitae Variant Classification Sherloc (09022015). Collection method: clinical testing. Allele origin: germline.

CeGaT Center for Human Genetics Tuebingen
Classification: Likely benign. Last evaluated: 2023-04-01. Review status: criteria provided, single submitter. Criteria: CeGaT Center For Human Genetics Tuebingen Variant Classification Criteria Version 2. Collection method: clinical testing. Allele origin: germline. Affected: yes. Observed: 1 variant allele.
Comment: BRCA2: PM2:Supporting, BP4, BP7

Ambry Genetics
Classification: Likely benign for Hereditary cancer-predisposing syndrome. Last evaluated: 2016-06-14. Review status: criteria provided, single submitter. Criteria: Ambry Variant Classification Scheme 2023. Collection method: clinical testing. Allele origin: germline.

Department of Medical and Surgical Sciences, University of Bologna
Classification: Uncertain significance for Breast-ovarian cancer, familial, susceptibility to, 2. Last evaluated: 2023-09-01. Review status: no assertion criteria provided. Collection method: clinical testing. Allele origin: germline. Affected: yes. Not counted in ClinVar's aggregate classification.
Comment: PM2(Supporting)+BP4(Supporting)+BP7(Supporting) according to ACMG/AMP classification guidelines specified for BRCA1 & BRCA2 (Classification Criteria V1.0.0 2023-09-08) (PMID: 38160042)

NM_000059.4(BRCA2):c.7524C>T (p.Gly2508=)

Gene: BRCA2 (BRCA2 DNA repair associated; plus strand). Cytogenetic location: 13q13.1.
Variant type: single nucleotide variant.
Coding change: c.7524C>T on transcript NM_000059.4 (MANE Select); coding-DNA position 7524, C replaced by T.
Protein change: p.Gly2508=; no amino-acid change (glycine 2508 retained).
Molecular consequence: synonymous variant.
Genome position (GRCh38, 1-based): chr13:32,356,516, C>T. VCF-style: chr13-32356516-C-T. GRCh37 (hg19) VCF-style: chr13-32930653-C-T.
Identifiers: ClinVar variation 481550 (VCV000481550.40), dbSNP rs1555286266, ClinGen allele CA483260392.
Genomic context (GRCh38, chr13:32,356,516, plus strand): 5'-AGATATACAGGATATGCGAATTAAGAAGAAACAAAGGCAACGCGTCTTTCCACAGCCAGG[C>T]AGTCTGTATCTTGCAAAAACATCCACTCTGCCTCGAATCTCTCTGAAAGCAGCAGTAGGA-3'
Protein context (NP_000050.3, residues 2498-2518): KQRQRVFPQP[Gly2508=]SLYLAKTSTL